The following is an entry in ClinVar:

ClinVar aggregate classification (germline): Uncertain significance. Review status: criteria provided, multiple submitters, no conflicts (2 of 4 stars). 2 submissions from 2 submitters: Uncertain significance (2). Last evaluated 2025-05-20.

Conditions:
Hereditary spherocytosis type 1. Also called: Spherocytosis type 1; ANK1-Related Spherocytosis. Identifiers: Orphanet 822, MedGen C2674218, MONDO:0008447, OMIM 182900.

gnomAD v4.1: 2 of 1,613,962 alleles (0.00012%); highest among the groups gnomAD compares: Admixed American, 0.0017%; no homozygotes.

Submissions (2):

Mayo Clinic Laboratories, Mayo Clinic
Classification: Uncertain significance. Last evaluated: 2025-05-20. Review status: criteria provided, single submitter. Criteria: ACMG Guidelines, 2015. Collection method: clinical testing. Allele origin: germline. Observed: 1 variant allele.
Comment: PM2_supporting

Revvity Omics, Revvity
Classification: Uncertain significance for Hereditary spherocytosis type 1. Last evaluated: 2022-03-18. Review status: criteria provided, single submitter. Criteria: ACMG Guidelines, 2015. Collection method: clinical testing. Allele origin: germline.

NM_000037.4(ANK1):c.3427C>A (p.Arg1143Ser)

Gene: ANK1 (ankyrin 1; minus strand). Cytogenetic location: 8p11.21.
Variant type: single nucleotide variant.
Coding change: c.3427C>A on transcript NM_000037.4 (MANE Select); coding-DNA position 3427, C replaced by A.
Protein change: p.Arg1143Ser; replaces arginine 1143 with serine.
Molecular consequence: missense variant.
Genome position (GRCh38, 1-based): chr8:41,694,003, G>T on the plus strand (C>A on the coding strand, the complement: ANK1 is on the minus strand). VCF-style: chr8-41694003-G-T. GRCh37 (hg19) VCF-style: chr8-41551521-G-T.
Other names: p.Arg1143Ser; c.3550C>A, p.Arg1184Ser (NM_001142446.2); c.3427C>A, p.Arg1143Ser (NM_020475.3, NM_020476.3, NM_020477.3); short protein forms R1143S, R1184S.
Identifiers: ClinVar variation 4077938 (VCV004077938.2).